The following is an entry in ClinVar:

NM_002769.5(PRSS1):c.565C>T (p.Leu189Phe)

Genes: PRSS1 (serine protease 1; plus strand), TRB (T cell receptor beta locus; plus strand). Cytogenetic location: 7q34.
Variant type: single nucleotide variant.
Coding change: c.565C>T on transcript NM_002769.5 (MANE Select); coding-DNA position 565, C replaced by T.
Protein change: p.Leu189Phe; replaces leucine 189 with phenylalanine.
Molecular consequence: missense variant. On other transcripts: non-coding transcript variant (5).
Genome position (GRCh38, 1-based): chr7:142,752,541, C>T. VCF-style: chr7-142752541-C-T. GRCh37 (hg19) VCF-style: chr7-142460392-C-T.
Other names: short protein forms L189F.
Identifiers: ClinVar variation 1748911 (VCV001748911.5), dbSNP rs1439241122, ClinGen allele CA369610408.

ClinVar aggregate classification (germline): Uncertain significance. Review status: criteria provided, multiple submitters, no conflicts (2 of 4 stars). 2 submissions from 2 submitters: Uncertain significance (2). Last evaluated 2024-07-26.

Conditions:
Hereditary pancreatitis (PCTT). Also called: Hereditary chronic pancreatitis; PRSS1-Related Hereditary Pancreatitis. Identifiers: Orphanet 676, MedGen C0238339, MONDO:0008185, OMIM 167800.

Allele frequency attached by ClinVar (database versions not stated): gnomAD exomes below 0.00001.

Submissions (2):

Labcorp Genetics (formerly Invitae), Labcorp
Classification: Uncertain significance for Hereditary pancreatitis. Last evaluated: 2024-07-26. Review status: criteria provided, single submitter. Criteria: Invitae Variant Classification Sherloc (09022015). Collection method: clinical testing. Allele origin: germline.
Comment: This sequence change replaces leucine, which is neutral and non-polar, with phenylalanine, which is neutral and non-polar, at codon 189 of the PRSS1 protein (p.Leu189Phe). The frequency data for this variant in the population databases is considered unreliable, as metrics indicate poor data quality at this position in the gnomAD database. This variant has not been reported in the literature in individuals affected with PRSS1-related conditions. ClinVar contains an entry for this variant (Variation ID: 1748911). Advanced modeling of protein sequence and biophysical properties (such as structural, functional, and spatial information, amino acid conservation, physicochemical variation, residue mobility, and thermodynamic stability) has been performed at Invitae for this missense variant, however the output from this modeling did not meet the statistical confidence thresholds required to predict the impact of this variant on PRSS1 protein function. In summary, the available evidence is currently insufficient to determine the role of this variant in disease. Therefore, it has been classified as a Variant of Uncertain Significance.

Ambry Genetics
Classification: Uncertain significance for Hereditary pancreatitis. Last evaluated: 2024-04-23. Review status: criteria provided, single submitter. Criteria: Ambry Variant Classification Scheme 2023. Collection method: clinical testing. Allele origin: germline.
Comment: The p.L189F variant (also known as c.565C>T), located in coding exon 4 of the PRSS1 gene, results from a C to T substitution at nucleotide position 565. The leucine at codon 189 is replaced by phenylalanine, an amino acid with highly similar properties. This amino acid position is conserved. In addition, the in silico prediction for this alteration is inconclusive. Since supporting evidence is limited at this time, the clinical significance of this alteration remains unclear.